The following is an entry in ClinVar:

NM_030957.4(ADAMTS10):c.592+5A>G

Gene: ADAMTS10 (ADAM metallopeptidase with thrombospondin type 1 motif 10; minus strand). Cytogenetic location: 19p13.2.
Variant type: single nucleotide variant.
Coding change: c.592+5A>G on transcript NM_030957.4 (MANE Select); 5 bases into the intron after coding-DNA position 592, A replaced by G.
Molecular consequence: intron variant.
Genome position (GRCh38, 1-based): chr19:8,603,723, T>C on the plus strand (A>G on the coding strand, the complement: ADAMTS10 is on the minus strand). VCF-style: chr19-8603723-T-C. GRCh37 (hg19) VCF-style: chr19-8668607-T-C.
Identifiers: ClinVar variation 1477173 (VCV001477173.5), dbSNP rs782033050, ClinGen allele CA9160795.
Genomic context (GRCh38, chr19:8,603,723, plus strand): 5'-ACACTGCTGCCTCAAGGGAAAGATACTGTGTAGCCCTCTGCCCATCCCCAGAAAGACCGA[T>C]GTACCTCTCACTCCACAGGCTGTGTCCAGGTGGGGGTGACGCAGAGAGGAACGCTTGTAC-3'

ClinVar aggregate classification (germline): Uncertain significance (1 of 4 stars; one submission).

Allele frequency attached by ClinVar (database versions not stated): gnomAD exomes below 0.00001 and 0.00001; ExAC 0.00001; gnomAD 0.00001; TOPMed 0.00002.
gnomAD v4.1: 5 of 1,614,022 alleles (0.00031%); highest among the groups gnomAD compares: African/African-American, 0.0027%; no homozygotes.

Submission:

Labcorp Genetics (formerly Invitae), Labcorp
Classification: Uncertain significance. Last evaluated: 2024-06-10. Review status: criteria provided, single submitter. Criteria: Invitae Variant Classification Sherloc (09022015). Collection method: clinical testing. Allele origin: germline.
Comment: This sequence change falls in intron 5 of the ADAMTS10 gene. It does not directly change the encoded amino acid sequence of the ADAMTS10 protein. It affects a nucleotide within the consensus splice site. This variant is present in population databases (rs782033050, gnomAD 0.004%). This variant has not been reported in the literature in individuals affected with ADAMTS10-related conditions. ClinVar contains an entry for this variant (Variation ID: 1477173). Variants that disrupt the consensus splice site are a relatively common cause of aberrant splicing (PMID: 17576681, 9536098). Algorithms developed to predict the effect of sequence changes on RNA splicing suggest that this variant is not likely to affect RNA splicing. In summary, the available evidence is currently insufficient to determine the role of this variant in disease. Therefore, it has been classified as a Variant of Uncertain Significance.

Literature cited by the submitters: PubMed 17576681; PubMed 9536098.